The following is an entry in ClinVar:

NM_007294.4(BRCA1):c.5467+14A>T

Gene: BRCA1 (BRCA1 DNA repair associated; minus strand). Cytogenetic location: 17q21.31.
Variant type: single nucleotide variant.
Coding change: c.5467+14A>T on transcript NM_007294.4 (MANE Select); 14 bases into the intron after coding-DNA position 5467, A replaced by T.
Molecular consequence: intron variant.
Genome position (GRCh38, 1-based): chr17:43,047,629, T>A on the plus strand (A>T on the coding strand, the complement: BRCA1 is on the minus strand). VCF-style: chr17-43047629-T-A. GRCh37 (hg19) VCF-style: chr17-41199646-T-A.
Other names: c.2155+14A>T (NM_001407993.1, NM_001407985.1, NM_001407990.1 and 10 more transcripts); c.2158+14A>T (NM_001407976.1, NM_001407974.1, NM_001407973.1 and 3 more transcripts); c.5464+14A>T (NM_001407618.1, NM_001407614.1, NM_001407626.1 and 14 more transcripts); c.5467+14A>T (NM_001407603.1, NM_001407598.1, NM_001407596.1 and 5 more transcripts); c.2023+14A>T (NM_001408451.1); c.5254+14A>T (NM_001407898.1, NM_001407894.1, NM_001407909.1 and 12 more transcripts); c.5257+14A>T (NM_001407881.1, NM_001407887.1, NM_001407889.1 and 5 more transcripts); c.5200+14A>T (NM_001407932.1, NM_001407928.1, NM_001407929.1 and 4 more transcripts); and 83 more.
Identifiers: ClinVar variation 864891 (VCV000864891.3), dbSNP rs886052974, ClinGen allele CA916080747.
Genomic context (GRCh38, chr17:43,047,629, plus strand): 5'-CACCAGGTAATGAGTGATAAACCAAACCCATGCAAAAGGACCCCATATAGCACAGGTACA[T>A]GCAGGCACCTTACCATGGAAGCCATTGTCCTCTGTCCAGGCATCTGGCTGCACAACCACA-3'

Conditions:
Breast-ovarian cancer, familial, susceptibility to, 1 (BROVCA1). Also called: BRCA1 Hereditary Breast and Ovarian Cancer; OVARIAN CANCER, SUSCEPTIBILITY TO. Identifiers: Orphanet 145, MedGen C2676676, MONDO:0011450, OMIM 604370. Disease mechanism: loss of function.

Submission:

Brotman Baty Institute, University of Washington
No classification provided (evidence only). Condition: Breast-ovarian cancer, familial 1. Review status: no classification provided. Collection method: in vitro. Allele origin: not applicable. Functional consequence: functionally_normal.
ClinVar note: "not provided" was previously submitted as the classification for the variant. However, the classification appeared to be based only on an observation of functional data so it was converted to no classification on 2025-07-30.